The following is an entry in ClinVar:

ClinVar aggregate classification (germline): Uncertain significance (1 of 4 stars; one submission).

Submission:

Broad Center for Mendelian Genomics, Broad Institute of MIT and Harvard
Classification: Uncertain significance. Last evaluated: 2019-02-07. Review status: criteria provided, single submitter. Criteria: ACMG Guidelines, 2015. Collection method: research. Allele origin: unknown. Inheritance: Autosomal dominant inheritance. Affected: yes.
Comment: The p.Asn414fs*4 variant in KMT2E has not been previously reported in individuals with intellectual disabilities or epilepsy and was absent from large population studies,This variant is predicted to cause a frameshift, which alters the proteinâ€™s amino acid sequence beginning at position 414 and leads to a premature termination codon 4 amino acids downstream. This alteration is then predicted to lead to a truncated or absent protein. It is of note, that loss of function of the KMT2E gene in autosomal dominant disease has not yet been established based on the criteria laid out in Tayoun, 2018 (PMID: 30192042). In summary, while there is some suspicion for a pathogenic role, the clinical significance of this variant is uncertain.

NM_182931.3(KMT2E):c.1239del (p.Asn414fs)

Gene: KMT2E (lysine methyltransferase 2E (inactive); plus strand). Cytogenetic location: 7q22.3.
Variant type: Deletion.
Coding change: c.1239del on transcript NM_182931.3 (MANE Select); coding-DNA position 1239, one base deleted (C; older notation c.1239delC).
Protein change: p.Asn414fs; shifts the reading frame from asparagine 414.
Molecular consequence: frameshift variant.
Genome position (GRCh38, 1-based): chr7:105,078,954, C deleted; the last of 3 consecutive C bases (chr7:105,078,952-105,078,954); deleting any one gives the same sequence. VCF-style (leftmost placement, unchanged base first): chr7-105078951-AC-A. GRCh37 (hg19) VCF-style: chr7-104719398-AC-A.
Other names: c.1239del, p.Asn414fs (NM_018682.4); short protein forms N414fs.
Identifiers: ClinVar variation 805901 (VCV000805901.2), dbSNP rs1584768283, ClinGen allele CA913184796.